The following is an entry in ClinVar:

ClinVar aggregate classification (germline): Uncertain significance (1 of 4 stars; one submission).

Conditions:
CYP3A4-related disorder. Also called: CYP3A4-related condition.

gnomAD v4.1: 1 of 1,614,050 alleles (0.000062%); highest among the groups gnomAD compares: Non-Finnish European, 0.000085%; no homozygotes.

Submission:

PreventionGenetics, part of Exact Sciences
Classification: Uncertain significance for CYP3A4-related condition. Last evaluated: 2024-11-25. Review status: criteria provided, single submitter. Criteria: ACMG Guidelines, 2015. Collection method: clinical testing. Allele origin: germline.
Comment: The CYP3A4 c.953T>G variant is predicted to result in the amino acid substitution p.Met318Arg. To our knowledge, this variant has not been reported in the literature or in a large population database (gnomAD), indicating this variant is rare. At this time, the clinical significance of this variant is uncertain due to the absence of conclusive functional and genetic evidence.

NM_017460.6(CYP3A4):c.953T>G (p.Met318Arg)

Gene: CYP3A4 (cytochrome P450 family 3 subfamily A member 4; minus strand). Cytogenetic location: 7q22.1.
Variant type: single nucleotide variant.
Coding change: c.953T>G on transcript NM_017460.6 (MANE Select); coding-DNA position 953, T replaced by G.
Protein change: p.Met318Arg; replaces methionine 318 with arginine.
Molecular consequence: missense variant.
Genome position (GRCh38, 1-based): chr7:99,763,928, A>C on the plus strand (T>G on the coding strand, the complement: CYP3A4 is on the minus strand). VCF-style: chr7-99763928-A-C. GRCh37 (hg19) VCF-style: chr7-99361551-A-C.
Other names: c.950T>G, p.Met317Arg (NM_001202855.3); short protein forms M318R, M317R.
Identifiers: ClinVar variation 4985642 (VCV004985642.1).